The following is an entry in ClinVar:

ClinVar aggregate classification (germline): Uncertain significance (1 of 4 stars; one submission).

Conditions:
Lysinuric protein intolerance (LPI). Identifiers: Orphanet 470, MedGen C0268647, MONDO:0009109, OMIM 222700.

Submission:

Labcorp Genetics (formerly Invitae), Labcorp
Classification: Uncertain significance for Lysinuric protein intolerance. Last evaluated: 2024-07-29. Review status: criteria provided, single submitter. Criteria: Invitae Variant Classification Sherloc (09022015). Collection method: clinical testing. Allele origin: germline.
Comment: This variant, c.1382_1384dup, results in the insertion of 1 amino acid(s) of the SLC7A7 protein (p.Ile461dup), but otherwise preserves the integrity of the reading frame. This variant is present in population databases (no rsID available, gnomAD 0.0009%). This variant has not been reported in the literature in individuals affected with SLC7A7-related conditions. ClinVar contains an entry for this variant (Variation ID: 952345). Experimental studies and prediction algorithms are not available or were not evaluated, and the functional significance of this variant is currently unknown. In summary, the available evidence is currently insufficient to determine the role of this variant in disease. Therefore, it has been classified as a Variant of Uncertain Significance.

NM_003982.4(SLC7A7):c.1376TCA[4] (p.Ile461dup)

Gene: SLC7A7 (solute carrier family 7 member 7; minus strand). Cytogenetic location: 14q11.2.
Variant type: Microsatellite.
Coding change: c.1376TCA[4] on transcript NM_003982.4 (MANE Select); four copies in a row of the 3-base unit TCA starting at c.1376; the reference has three copies in a row; one copy, 3 bases duplicated.
Protein change: p.Ile461dup; duplicates isoleucine 461.
Molecular consequence: inframe insertion.
Genome position (GRCh38, 1-based): chr14:22,773,978-22,773,980, TGA duplicated on the plus strand (TCA on the coding strand, the reverse complement: SLC7A7 is on the minus strand); duplicating any 3 consecutive bases within chr14:22,773,978-22,773,986 gives the same sequence; the position shown is the placement nearest the transcript's 3' end. VCF-style (leftmost placement, unchanged base first): chr14-22773977-C-CTGA. GRCh37 (hg19) VCF-style: chr14-23243186-C-CTGA.
Other names: c.1376TCA[4], p.Ile461dup (NM_001126105.3, NM_001126106.4).
Identifiers: ClinVar variation 952345 (VCV000952345.9), dbSNP rs759301639, ClinGen allele CA613315512.